The following is an entry in ClinVar:

NM_014780.5(CUL7):c.2819G>A (p.Arg940His)

Gene: CUL7 (cullin 7; minus strand). Cytogenetic location: 6p21.1.
Variant type: single nucleotide variant.
Coding change: c.2819G>A on transcript NM_014780.5 (MANE Select); coding-DNA position 2819, G replaced by A.
Protein change: p.Arg940His; replaces arginine 940 with histidine.
Molecular consequence: missense variant.
Genome position (GRCh38, 1-based): chr6:43,045,630, C>T on the plus strand (G>A on the coding strand, the complement: CUL7 is on the minus strand). VCF-style: chr6-43045630-C-T. GRCh37 (hg19) VCF-style: chr6-43013368-C-T.
Other names: c.2915G>A, p.Arg972His (NM_001168370.2, NM_001374872.1); c.2819G>A, p.Arg940His (NM_001374873.1, NM_001374874.1); short protein forms R940H, R972H.
Identifiers: ClinVar variation 911484 (VCV000911484.8), dbSNP rs201130952, ClinGen allele CA3813684.

ClinVar aggregate classification (germline): Uncertain significance. Review status: criteria provided, multiple submitters, no conflicts (2 of 4 stars). 2 submissions from 2 submitters: Uncertain significance (2). Last evaluated 2022-06-27.

Conditions:
3M syndrome 1. Also called: 3-M Syndrome, CUL7-Related. Identifiers: Orphanet 2616, MedGen C2678312, MONDO:0010117, OMIM 273750.

Allele frequency attached by ClinVar (database versions not stated): gnomAD exomes 0.00012 and 0.00016; ExAC 0.00013; ESP Exome Variant Server 0.00015; gnomAD 0.00015 and 0.00017; TOPMed 0.00017.
gnomAD v4.1: 258 of 1,614,076 alleles (0.016%); highest among the groups gnomAD compares: Non-Finnish European, 0.02%; no homozygotes.

Submissions (2):

Labcorp Genetics (formerly Invitae), Labcorp
Classification: Uncertain significance. Last evaluated: 2022-06-27. Review status: criteria provided, single submitter. Criteria: Invitae Variant Classification Sherloc (09022015). Collection method: clinical testing. Allele origin: germline.
Comment: This sequence change replaces arginine, which is basic and polar, with histidine, which is basic and polar, at codon 940 of the CUL7 protein (p.Arg940His). This variant is present in population databases (rs201130952, gnomAD 0.02%). This variant has not been reported in the literature in individuals affected with CUL7-related conditions. ClinVar contains an entry for this variant (Variation ID: 911484). Algorithms developed to predict the effect of missense changes on protein structure and function output the following: SIFT: "Tolerated"; PolyPhen-2: "Benign"; Align-GVGD: "Class C0". The histidine amino acid residue is found in multiple mammalian species, which suggests that this missense change does not adversely affect protein function. In summary, the available evidence is currently insufficient to determine the role of this variant in disease. Therefore, it has been classified as a Variant of Uncertain Significance.

Illumina Laboratory Services, Illumina
Classification: Uncertain significance for 3M syndrome 1. Last evaluated: 2018-01-13. Review status: criteria provided, single submitter. Criteria: ICSL Variant Classification Criteria 13 December 2019. Collection method: clinical testing. Allele origin: germline.